The following is an entry in ClinVar:

NM_001267550.2(TTN):c.1913A>T (p.Glu638Val)

Gene: TTN (titin; minus strand). Cytogenetic location: 2q31.2.
Variant type: single nucleotide variant.
Coding change: c.1913A>T on transcript NM_001267550.2 (MANE Select); coding-DNA position 1913, A replaced by T.
Protein change: p.Glu638Val; replaces glutamic acid 638 with valine.
Molecular consequence: missense variant.
Genome position (GRCh38, 1-based): chr2:178,790,003, T>A on the plus strand (A>T on the coding strand, the complement: TTN is on the minus strand). VCF-style: chr2-178790003-T-A. GRCh37 (hg19) VCF-style: chr2-179654730-T-A.
Other names: c.1913A>T, p.Glu638Val (NM_001256850.1, NM_133378.4, NM_133379.5); c.1775A>T, p.Glu592Val (NM_003319.4, NM_133432.3, NM_133437.4); short protein forms E592V, E638V.
Identifiers: ClinVar variation 1779860 (VCV001779860.2), dbSNP rs878995419, ClinGen allele CA60984019.

ClinVar aggregate classification (germline): Uncertain significance (1 of 4 stars; one submission).

Conditions:
Cardiovascular phenotype. Identifiers: MedGen CN230736.

Allele frequency attached by ClinVar (database versions not stated): TOPMed below 0.00001.

Submission:

Ambry Genetics
Classification: Uncertain significance for Cardiovascular phenotype. Last evaluated: 2020-04-03. Review status: criteria provided, single submitter. Criteria: Ambry Variant Classification Scheme 2023. Collection method: clinical testing. Allele origin: germline.
Comment: The p.E592V variant (also known as c.1775A>T), located in coding exon 10 of the TTN gene, results from an A to T substitution at nucleotide position 1775. The glutamic acid at codon 592 is replaced by valine, an amino acid with dissimilar properties. This amino acid position is not well conserved in available vertebrate species. In addition, this alteration is predicted to be tolerated by in silico analysis. Since supporting evidence is limited at this time, the clinical significance of this alteration remains unclear.